The following is an entry in ClinVar:

NM_000051.4(ATM):c.1898+1G>T

Gene: ATM (ATM serine/threonine kinase; plus strand). Cytogenetic location: 11q22.3.
Variant type: single nucleotide variant.
Coding change: c.1898+1G>T on transcript NM_000051.4 (MANE Select); the canonical splice donor site of the intron after coding-DNA position 1898, G replaced by T.
Molecular consequence: splice donor variant.
Genome position (GRCh38, 1-based): chr11:108,252,913, G>T. VCF-style: chr11-108252913-G-T. GRCh37 (hg19) VCF-style: chr11-108123640-G-T.
Other names: c.1898+1G>T (NM_001351834.2).
Identifiers: ClinVar variation 453391 (VCV000453391.16), dbSNP rs758325274, ClinGen allele CA382536128.
Genomic context (GRCh38, chr11:108,252,913, plus strand): 5'-GAGTCTCACTATGAAAAACTGTAAAGCTGCAATGAATTTTTTCCAAAGCGTGCCAGAATG[G>T]TATGTTATCTAATAATGCTCTTTATCATTTTAAGCTATAGCTTTAATTACAAAGATGATA-3'

ClinVar aggregate classification (germline): Pathogenic/Likely pathogenic. Review status: criteria provided, multiple submitters, no conflicts (2 of 4 stars). 5 submissions from 5 submitters: Pathogenic (2); Likely pathogenic (2). 1 of the submissions does not count toward it. Last evaluated 2026-01-18.

Conditions:
Hereditary cancer-predisposing syndrome. Also called: Tumor predisposition; Hereditary Cancer Syndrome; Neoplastic Syndromes, Hereditary; Hereditary neoplastic syndrome. Identifiers: Orphanet 140162, MedGen C0027672, MeSH D009386, MONDO:0015356.
Familial cancer of breast. Also called: Hereditary breast cancer; hereditary breast carcinoma; BREAST CANCER, FAMILIAL. Identifiers: Orphanet 227535, MedGen C0346153, MONDO:0016419, OMIM 114480. Disease mechanism: loss of function.
Ataxia-telangiectasia syndrome (AT). Also called: Cerebello-oculocutaneous telangiectasia; Immunodeficiency with ataxia telangiectasia; Ataxia-telangiectasia, complementation group D; AT, COMPLEMENTATION GROUP C; Ataxia-telangiectasia, complementation group E; LOUIS-BAR SYNDROME. Identifiers: Orphanet 100, MedGen C0004135, MONDO:0008840, OMIM 208900.

gnomAD v4.1: 1 of 1,602,480 alleles (0.000062%); highest among the groups gnomAD compares: South Asian, 0.0011%; no homozygotes.

Submissions (5):

Labcorp Genetics (formerly Invitae), Labcorp
Classification: Pathogenic for Ataxia-telangiectasia syndrome. Last evaluated: 2026-01-18. Review status: criteria provided, single submitter. Criteria: Invitae Variant Classification Sherloc (09022015). Collection method: clinical testing. Allele origin: germline.
Comment: This sequence change affects a donor splice site in intron 12 of the ATM gene. RNA analysis indicates that disruption of this splice site induces altered splicing and likely results in a shortened protein product. This variant is not present in population databases (gnomAD no frequency). Disruption of this splice site has been observed in individuals with ataxia-telangiectasia (PMID: 16941484, 17985259). This variant is also known as IVS14 c.1898+1G>T. ClinVar contains an entry for this variant (Variation ID: 453391). Studies have shown that disruption of this splice site results in skipping of skipping of exon 12, but is expected to preserve the integrity of the reading-frame (PMID: 16941484). This variant disrupts a region of the ATM protein in which other variant(s) (p.Leu615Pro) have been determined to be pathogenic (PMID: 29368341, 30549301, 32901917; internal data). This suggests that this is a clinically significant region of the protein, and that variants that disrupt it are likely to be disease-causing. For these reasons, this variant has been classified as Pathogenic.

Ambry Genetics
Classification: Pathogenic for Hereditary cancer-predisposing syndrome. Last evaluated: 2025-06-10. Review status: criteria provided, single submitter. Criteria: Ambry Variant Classification Scheme 2023. Collection method: clinical testing. Allele origin: germline.
Comment: The c.1898+1G>T intronic pathogenic mutation results from a G to T substitution one nucleotide after coding exon 11 of the ATM gene. This mutation has been reported in trans with an ATM multi-exon gross deletion in a patient with ataxia-telangiectasia (AT) and was shown to cause exon-skipping (Cavalieri S et al. Hum. Mutat. 2006 Oct;27:1061). This nucleotide position is highly conserved in available vertebrate species. In silico splice site analysis predicts that this alteration will weaken the native splice donor site. RNA studies have demonstrated that this alteration results in abnormal splicing in the set of samples tested (Ambry internal data). In addition to the clinical data presented in the literature, alterations that disrupt the canonical splice site are expected to cause aberrant splicing, resulting in an abnormal protein or a transcript that is subject to nonsense-mediated mRNA decay. As such, this alteration is classified as pathogenic.

Myriad Genetics, Inc.
Classification: Likely pathogenic for Familial cancer of breast. Last evaluated: 2024-01-16. Review status: criteria provided, single submitter. Criteria: Myriad Autosomal Dominant, Autosomal Recessive and X-Linked Classification Criteria (2023). Collection method: clinical testing. Allele origin: unknown.
Comment: This variant is considered likely pathogenic. This variant occurs within a consensus splice junction and is predicted to result in abnormal mRNA splicing of either an out-of-frame exon or an in-frame exon necessary for protein stability and/or normal function.

Color Diagnostics, LLC DBA Color Health
Classification: Likely pathogenic for Hereditary cancer-predisposing syndrome. Last evaluated: 2022-02-02. Review status: criteria provided, single submitter. Criteria: ACMG Guidelines, 2015. Collection method: clinical testing. Allele origin: germline.
Comment: This variant causes a G to T nucleotide substitution at the +1 position of intron 12 of the ATM gene. Splice site prediction tools predict that this variant may have a significant impact on RNA splicing. This variant has been reported in the compound heterozygous state in an individual affected with ataxia-telangiectasia (PMID: 16941484). RNA analysis of lymphoblastoid cell lines derived from this person reportedly showed skipping of exon 12 (PMID: 16941484). This variant has not been identified in the general population by the Genome Aggregation Database (gnomAD). Loss of ATM function is a known mechanism of disease. Based on the available evidence, this variant is classified as Likely Pathogenic.

Natera, Inc.
Classification: Pathogenic for Ataxia-telangiectasia. Last evaluated: 2020-09-16. Review status: no assertion criteria provided. Collection method: clinical testing. Allele origin: germline. Not counted in ClinVar's aggregate classification.

Literature cited by the submitters: PubMed 16941484 (cited by 3 submitters); PubMed 17985259 (cited by Labcorp Genetics (formerly Invitae), Labcorp); PubMed 29368341 (cited by Labcorp Genetics (formerly Invitae), Labcorp); PubMed 30549301 (cited by Labcorp Genetics (formerly Invitae), Labcorp); PubMed 32901917 (cited by Labcorp Genetics (formerly Invitae), Labcorp).